The following is an entry in ClinVar:

NM_006129.5(BMP1):c.2575+150A>G

Gene: BMP1 (bone morphogenetic protein 1; plus strand). Cytogenetic location: 8p21.3.
Variant type: single nucleotide variant.
Coding change: c.2575+150A>G on transcript NM_006129.5 (MANE Select); 150 bases into the intron after coding-DNA position 2575, A replaced by G.
Molecular consequence: intron variant.
Genome position (GRCh38, 1-based): chr8:22,207,666, A>G. VCF-style: chr8-22207666-A-G. GRCh37 (hg19) VCF-style: chr8-22065179-A-G.
Identifiers: ClinVar variation 680493 (VCV000680493.2), dbSNP rs62494057, ClinGen allele CA12786532.

ClinVar aggregate classification (germline): Benign. Review status: criteria provided, multiple submitters, no conflicts (2 of 4 stars). 2 submissions from 2 submitters: Benign (2). Last evaluated 2018-06-14.

Allele frequency attached by ClinVar (database versions not stated): gnomAD 0.25548 and 0.24803; 1000 Genomes Project 0.18051; 1000 Genomes Project 30x 0.18192; gnomAD exomes 0.24003; TOPMed 0.24883.
gnomAD v4.1: 222,650 of 923,786 alleles (24%); highest among the groups gnomAD compares: African/African-American, 29%; 29,810 homozygotes.

Submissions (2):

GeneDx
Classification: Benign. Last evaluated: 2018-06-14. Review status: criteria provided, single submitter. Criteria: GeneDx Variant Classification (06012015). Collection method: clinical testing. Allele origin: germline. Affected: yes.
Comment: This variant is considered likely benign or benign based on one or more of the following criteria: it is a conservative change, it occurs at a poorly conserved position in the protein, it is predicted to be benign by multiple in silico algorithms, and/or has population frequency not consistent with disease.

Breakthrough Genomics
Classification: Benign. Review status: criteria provided, single submitter. Criteria: ACMG Guidelines, 2015. Collection method: not provided. Allele origin: germline. Inheritance: Autosomal recessive inheritance. Affected: yes.